The following is an entry in ClinVar:

ClinVar aggregate classification (germline): Uncertain significance (1 of 4 stars; one submission).

Conditions:
Familial thoracic aortic aneurysm and aortic dissection (TAAD). Also called: Thoracic aortic aneurysms and dissections. Identifiers: Orphanet 91387, MedGen C4707243, MONDO:0019625.

gnomAD v4.1: 2 of 1,614,208 alleles (0.00012%); highest among the groups gnomAD compares: South Asian, 0.0022%; no homozygotes.

Submission:

Ambry Genetics
Classification: Uncertain significance for Familial thoracic aortic aneurysm and aortic dissection. Last evaluated: 2026-07-07. Review status: criteria provided, single submitter. Criteria: Ambry Variant Classification Scheme 2023. Collection method: clinical testing. Allele origin: germline.
Comment: The p.E1677K variant (also known as c.5029G>A), located in coding exon 34 of the MYH11 gene, results from a G to A substitution at nucleotide position 5029. The glutamic acid at codon 1677 is replaced by lysine, an amino acid with similar properties. This amino acid position is conserved. In addition, the in silico prediction for this alteration is inconclusive. Based on the available evidence, the clinical significance of this variant remains unclear.

NM_002474.3(MYH11):c.5029G>A (p.Glu1677Lys)

Genes: MYH11 (myosin heavy chain 11; minus strand), NDE1 (nudE neurodevelopment protein 1; plus strand). Cytogenetic location: 16p13.11.
Variant type: single nucleotide variant.
Coding change: c.5029G>A on transcript NM_002474.3 (MANE Select); coding-DNA position 5029, G replaced by A.
Protein change: p.Glu1677Lys; replaces glutamic acid 1677 with lysine.
Molecular consequence: missense variant. On other transcripts: intron variant (2).
Genome position (GRCh38, 1-based): chr16:15,719,638, C>T on the plus strand (G>A on the coding strand, the complement: MYH11 is on the minus strand). VCF-style: chr16-15719638-C-T. GRCh37 (hg19) VCF-style: chr16-15813495-C-T.
Other names: c.5050G>A, p.Glu1684Lys (NM_001040113.2, NM_001040114.2); c.5029G>A, p.Glu1677Lys (NM_022844.3); c.948-4553C>T (NM_001143979.2, NM_017668.3); short protein forms E1677K, E1684K.
Identifiers: ClinVar variation 5025081 (VCV005025081.1).